The following is an entry in ClinVar:

ClinVar aggregate classification (germline): Pathogenic (1 of 4 stars; one submission).

Submission:

Labcorp Genetics (formerly Invitae), Labcorp
Classification: Pathogenic. Last evaluated: 2025-07-09. Review status: criteria provided, single submitter. Criteria: Invitae Variant Classification Sherloc (09022015). Collection method: clinical testing. Allele origin: germline.
Comment: This sequence change creates a premature translational stop signal (p.Glu721Argfs*61) in the LZTR1 gene. It is expected to result in an absent or disrupted protein product. Loss-of-function variants in LZTR1 are known to be pathogenic (PMID: 24362817, 25335493, 25480913, 25795793, 29469822, 30368668, 30442762, 30442766, 30481304, 30859559). This variant is not present in population databases (gnomAD no frequency). This variant has not been reported in the literature in individuals affected with LZTR1-related conditions. For these reasons, this variant has been classified as Pathogenic.

Literature cited by the submitters: PubMed 24362817; PubMed 25335493; PubMed 25480913; PubMed 25795793; PubMed 29469822; PubMed 30368668; PubMed 30442762; PubMed 30442766; PubMed 30481304; PubMed 30859559.

NM_006767.4(LZTR1):c.2160dup (p.Glu721fs)

Gene: LZTR1 (leucine zipper like post translational regulator 1; plus strand). Cytogenetic location: 22q11.21.
Variant type: Duplication.
Coding change: c.2160dup on transcript NM_006767.4 (MANE Select); coding-DNA position 2160, one base duplicated (C; older notation c.2160dupC).
Protein change: p.Glu721fs; shifts the reading frame from glutamic acid 721.
Molecular consequence: frameshift variant.
Genome position (GRCh38, 1-based): chr22:20,996,053, C duplicated. VCF-style (leftmost placement, unchanged base first): chr22-20996052-T-TC. GRCh37 (hg19) VCF-style: chr22-21350341-T-TC.
Other names: short protein forms E721fs.
Identifiers: ClinVar variation 4751232 (VCV004751232.1).